The following is an entry in ClinVar:

ClinVar aggregate classification (germline): Likely benign. Review status: criteria provided, multiple submitters, no conflicts (2 of 4 stars). 3 submissions from 3 submitters: Likely benign (3). Last evaluated 2025-10-03.

Conditions:
Autosomal recessive limb-girdle muscular dystrophy type 2A (LGMDR1). Also called: Muscular dystrophy, limb-girdle, type 2A, Amish; LEYDEN-MOEBIUS MUSCULAR DYSTROPHY; MUSCULAR DYSTROPHY, PELVOFEMORAL; Limb-girdle muscular dystrophy, type 2A; Calpainopathy. Identifiers: Orphanet 267, MedGen C1869123, MONDO:0009675, OMIM 253600. Disease mechanism: loss of function.

Allele frequency attached by ClinVar (database versions not stated): gnomAD exomes below 0.00001.

Submissions (3):

Mayo Clinic Laboratories, Mayo Clinic
Classification: Likely benign. Last evaluated: 2025-10-03. Review status: criteria provided, single submitter. Criteria: ACMG Guidelines, 2015. Collection method: clinical testing. Allele origin: germline. Observed: 1 variant allele.
Comment: BP4, BP7

Blueprint Genetics
Classification: Likely benign. Last evaluated: 2022-11-30. Review status: criteria provided, single submitter. Criteria: ACMG Guidelines, 2015. Collection method: clinical testing. Allele origin: germline.

Labcorp Genetics (formerly Invitae), Labcorp
Classification: Likely benign for Autosomal recessive limb-girdle muscular dystrophy type 2A. Last evaluated: 2022-04-20. Review status: criteria provided, single submitter. Criteria: Invitae Variant Classification Sherloc (09022015). Collection method: clinical testing. Allele origin: germline.

NM_000070.3(CAPN3):c.2073G>A (p.Gly691=)

Gene: CAPN3 (calpain 3; plus strand). Cytogenetic location: 15q15.1.
Variant type: single nucleotide variant.
Coding change: c.2073G>A on transcript NM_000070.3 (MANE Select); coding-DNA position 2073, G replaced by A.
Protein change: p.Gly691=; no amino-acid change (glycine 691 retained).
Molecular consequence: synonymous variant.
Genome position (GRCh38, 1-based): chr15:42,409,953, G>A. VCF-style: chr15-42409953-G-A. GRCh37 (hg19) VCF-style: chr15-42702151-G-A.
Other names: p.Gly691=; c.2055G>A, p.Gly685= (NM_024344.2); c.1797G>A, p.Gly599= (NM_173087.2); c.537G>A, p.Gly179= (NM_173088.2); c.78G>A, p.Gly26= (NM_173089.2, NM_173090.2); c.*1171G>A (NM_212464.2); c.*1748G>A (NM_212467.2).
Identifiers: ClinVar variation 1944804 (VCV001944804.7), dbSNP rs2548291657, ClinGen allele CA489885778.